The following is an entry in ClinVar:

ClinVar aggregate classification (germline): Uncertain significance. Review status: criteria provided, multiple submitters, no conflicts (2 of 4 stars). 2 submissions from 2 submitters: Uncertain significance (2). Last evaluated 2022-04-05.

Conditions:
Dilated cardiomyopathy 1JJ (CMD1JJ). Identifiers: Orphanet 154, MedGen C3808935, MONDO:0014095, OMIM 615235.

Submissions (2):

Labcorp Genetics (formerly Invitae), Labcorp
Classification: Uncertain significance for Dilated cardiomyopathy 1JJ. Last evaluated: 2022-04-05. Review status: criteria provided, single submitter. Criteria: Invitae Variant Classification Sherloc (09022015). Collection method: clinical testing. Allele origin: germline.
Comment: This sequence change replaces glutamine, which is neutral and polar, with histidine, which is basic and polar, at codon 1717 of the LAMA4 protein (p.Gln1717His). This variant is not present in population databases (gnomAD no frequency). This variant has not been reported in the literature in individuals affected with LAMA4-related conditions. Algorithms developed to predict the effect of missense changes on protein structure and function are either unavailable or do not agree on the potential impact of this missense change (SIFT: "Deleterious"; PolyPhen-2: "Probably Damaging"; Align-GVGD: "Class C0"). In summary, the available evidence is currently insufficient to determine the role of this variant in disease. Therefore, it has been classified as a Variant of Uncertain Significance.

GeneDx
Classification: Uncertain significance. Last evaluated: 2022-02-10. Review status: criteria provided, single submitter. Criteria: GeneDx Variant Classification Process June 2021. Collection method: clinical testing. Allele origin: germline. Affected: yes.
Comment: Has not been previously published as pathogenic or benign to our knowledge; Not observed at significant frequency in large population cohorts (gnomAD); In silico analysis supports that this missense variant has a deleterious effect on protein structure/function

NM_001105206.3(LAMA4):c.5172G>T (p.Gln1724His)

Gene: LAMA4 (laminin subunit alpha 4; minus strand). Cytogenetic location: 6q21.
Variant type: single nucleotide variant.
Coding change: c.5172G>T on transcript NM_001105206.3 (MANE Select); coding-DNA position 5172, G replaced by T.
Protein change: p.Gln1724His; replaces glutamine 1724 with histidine.
Molecular consequence: missense variant.
Genome position (GRCh38, 1-based): chr6:112,114,697, C>A on the plus strand (G>T on the coding strand, the complement: LAMA4 is on the minus strand). VCF-style: chr6-112114697-C-A. GRCh37 (hg19) VCF-style: chr6-112435900-C-A.
Other names: c.5151G>T, p.Gln1717His (NM_001105207.3, NM_002290.5); short protein forms Q1717H, Q1724H.
Identifiers: ClinVar variation 1700735 (VCV001700735.7), dbSNP rs2114556816, ClinGen allele CA365364827.
Genomic context (GRCh38, chr6:112,114,697, plus strand): 5'-CTCCCCAGGGCAGTCAGTTTTCTCACCTGTAATTCTGTGCCATCTGCCATCACAGAGACT[C>A]TGCTTGGGTGTAACTGAGGTGGAAAAATCTCTGATGCCATTATTGACTTTCACTATGACC-3'
Protein context (NP_001098676.2, residues 1714-1734): RDFSTSVTPK[Gln1724His]SLCDGRWHRI